The following is an entry in ClinVar:

ClinVar aggregate classification (germline): Uncertain significance (1 of 4 stars; one submission).

Allele frequency attached by ClinVar (database versions not stated): ExAC 0.00001; gnomAD exomes 0.00001; gnomAD 0.00003 and 0.00004; TOPMed 0.00003; ESP Exome Variant Server 0.00008.
gnomAD v4.1: 24 of 1,610,998 alleles (0.0015%); highest among the groups gnomAD compares: Non-Finnish European, 0.0017%; no homozygotes.

Submission:

Labcorp Genetics (formerly Invitae), Labcorp
Classification: Uncertain significance. Last evaluated: 2024-07-29. Review status: criteria provided, single submitter. Criteria: Invitae Variant Classification Sherloc (09022015). Collection method: clinical testing. Allele origin: germline.
Comment: This sequence change replaces phenylalanine, which is neutral and non-polar, with leucine, which is neutral and non-polar, at codon 505 of the C9 protein (p.Phe505Leu). This variant is present in population databases (rs372013922, gnomAD 0.002%). This variant has not been reported in the literature in individuals affected with C9-related conditions. ClinVar contains an entry for this variant (Variation ID: 1433605). Advanced modeling of protein sequence and biophysical properties (such as structural, functional, and spatial information, amino acid conservation, physicochemical variation, residue mobility, and thermodynamic stability) performed at Invitae indicates that this missense variant is expected to disrupt C9 protein function with a positive predictive value of 80%. In summary, the available evidence is currently insufficient to determine the role of this variant in disease. Therefore, it has been classified as a Variant of Uncertain Significance.

NM_001737.5(C9):c.1513T>C (p.Phe505Leu)

Gene: C9 (complement C9; minus strand). Cytogenetic location: 5p13.1.
Variant type: single nucleotide variant.
Coding change: c.1513T>C on transcript NM_001737.5 (MANE Select); coding-DNA position 1513, T replaced by C.
Protein change: p.Phe505Leu; replaces phenylalanine 505 with leucine.
Molecular consequence: missense variant.
Genome position (GRCh38, 1-based): chr5:39,288,855, A>G on the plus strand (T>C on the coding strand, the complement: C9 is on the minus strand). VCF-style: chr5-39288855-A-G. GRCh37 (hg19) VCF-style: chr5-39288957-A-G.
Other names: short protein forms F505L.
Identifiers: ClinVar variation 1433605 (VCV001433605.6), dbSNP rs372013922, ClinGen allele CA3246667.
Genomic context (GRCh38, chr5:39,288,855, plus strand): 5'-TTCCATCCATTAGAATCACTGTACCTCCATTTTGGCATGTGTGGCATTTTCTTACACTAA[A>G]TTCATTGATATAGTCTTCAATGGCTCTTTCCAAGTTTTGTTTCTTTAGGTGTGCATTTTT-3'
Protein context (NP_001728.1, residues 495-515): ERAIEDYINE[Phe505Leu]SVRKCHTCQN